The following is an entry in ClinVar:

ClinVar aggregate classification (germline): Uncertain significance. Review status: criteria provided, multiple submitters, no conflicts (2 of 4 stars). 2 submissions from 2 submitters: Uncertain significance (2). Last evaluated 2026-05-20.

Conditions:
Cardiovascular phenotype. Identifiers: MedGen CN230736.
Hereditary cancer-predisposing syndrome. Also called: Neoplastic Syndromes, Hereditary; Tumor predisposition; Hereditary Cancer Syndrome; Hereditary neoplastic syndrome. Identifiers: Orphanet 140162, MedGen C0027672, MeSH D009386, MONDO:0015356.
Neurofibromatosis, type 1 (NF1). Also called: VON RECKLINGHAUSEN DISEASE; NEUROFIBROMATOSIS, TYPE I, SOMATIC; Peripheral type neurofibromatosis; Neurofibromatosis, type I. Identifiers: Orphanet 636, MedGen C0027831, MONDO:0018975, OMIM 162200. Disease mechanism: loss of function.

Allele frequency attached by ClinVar (database versions not stated): gnomAD exomes below 0.00001.
gnomAD v4.1: 1 of 1,614,150 alleles (0.000062%); highest among the groups gnomAD compares: Non-Finnish European, 0.000085%; no homozygotes.

Submissions (2):

Ambry Genetics
Classification: Uncertain significance for Cardiovascular phenotype; Hereditary cancer-predisposing syndrome. Last evaluated: 2026-05-20. Review status: criteria provided, single submitter. Criteria: Ambry Variant Classification Scheme 2023. Collection method: clinical testing. Allele origin: germline.
Comment: The p.D2305G variant (also known as c.6914A>G), located in coding exon 46 of the NF1 gene, results from an A to G substitution at nucleotide position 6914. The aspartic acid at codon 2305 is replaced by glycine, an amino acid with similar properties. This amino acid position is highly conserved in available vertebrate species. In addition, the in silico prediction for this alteration is inconclusive. Based on the available evidence, the clinical significance of this variant remains unclear.

Labcorp Genetics (formerly Invitae), Labcorp
Classification: Uncertain significance for Neurofibromatosis, type 1. Last evaluated: 2022-07-03. Review status: criteria provided, single submitter. Criteria: Invitae Variant Classification Sherloc (09022015). Collection method: clinical testing. Allele origin: germline.
Comment: This variant has not been reported in the literature in individuals affected with NF1-related conditions. Advanced modeling of protein sequence and biophysical properties (such as structural, functional, and spatial information, amino acid conservation, physicochemical variation, residue mobility, and thermodynamic stability) performed at Invitae indicates that this missense variant is expected to disrupt NF1 protein function. In summary, the available evidence is currently insufficient to determine the role of this variant in disease. Therefore, it has been classified as a Variant of Uncertain Significance. This variant is not present in population databases (gnomAD no frequency). This sequence change replaces aspartic acid, which is acidic and polar, with glycine, which is neutral and non-polar, at codon 2305 of the NF1 protein (p.Asp2305Gly).

NM_001042492.3(NF1):c.6977A>G (p.Asp2326Gly)

Gene: NF1 (neurofibromin 1; plus strand). Cytogenetic location: 17q11.2.
Variant type: single nucleotide variant.
Coding change: c.6977A>G on transcript NM_001042492.3 (MANE Select); coding-DNA position 6977, A replaced by G.
Protein change: p.Asp2326Gly; replaces aspartic acid 2326 with glycine.
Molecular consequence: missense variant.
Genome position (GRCh38, 1-based): chr17:31,340,560, A>G. VCF-style: chr17-31340560-A-G. GRCh37 (hg19) VCF-style: chr17-29667578-A-G.
Other names: c.6914A>G, p.Asp2305Gly (NM_000267.4); short protein forms D2305G, D2326G.
Identifiers: ClinVar variation 2013864 (VCV002013864.4), dbSNP rs2069791654, ClinGen allele CA399014955.
Genomic context (GRCh38, chr17:31,340,560, plus strand): 5'-GCCAGGACTCGCCTCTGCACAAAGCCCTCTTTTGGGTAGCTGTGGCTGTGCTGCAGCTTG[A>G]TGAGGTCAACTTGTATTCAGCAGGTACCGCACTTCTTGAACAAAACCTGCATACTTTAGA-3'
Protein context (NP_001035957.1, residues 2316-2336): FWVAVAVLQL[Asp2326Gly]EVNLYSAGTA